The following is an entry in ClinVar:

NM_153603.4(COG7):c.169+4A>C

Gene: COG7 (component of oligomeric golgi complex 7; minus strand). Cytogenetic location: 16p12.2.
Variant type: single nucleotide variant.
Coding change: c.169+4A>C on transcript NM_153603.4 (MANE Select); 4 bases into the intron after coding-DNA position 169, A replaced by C.
Molecular consequence: intron variant.
Genome position (GRCh38, 1-based): chr16:23,452,822, T>G on the plus strand (A>C on the coding strand, the complement: COG7 is on the minus strand). VCF-style: chr16-23452822-T-G. GRCh37 (hg19) VCF-style: chr16-23464143-T-G.
Other names: IVS1DS, A-C, +4.
Identifiers: ClinVar variation 3650 (VCV000003650.3), dbSNP rs1555497568, ClinGen allele CA494173407.

ClinVar aggregate classification (germline): Pathogenic. Review status: criteria provided, single submitter (1 of 4 stars). 2 submissions from 2 submitters: Pathogenic (1). 1 of the submissions does not count toward it. Last evaluated 2019-08-21.

Conditions:
COG7 congenital disorder of glycosylation (CDG2E). Also called: CDG IIe; CONGENITAL DISORDER OF GLYCOSYLATION, TYPE IIe. Identifiers: Orphanet 79333, MedGen C2931010, MONDO:0012118, OMIM 608779.

Allele frequency attached by ClinVar (database versions not stated): gnomAD exomes below 0.00001.
gnomAD v4.1: 1 of 1,610,842 alleles (0.000062%); highest among the groups gnomAD compares: Non-Finnish European, 0.000085%; no homozygotes.

Submissions (2):

Equipe Genetique des Anomalies du Developpement, Université de Bourgogne
Classification: Pathogenic for COG7 congenital disorder of glycosylation. Last evaluated: 2019-08-21. Review status: criteria provided, single submitter. Criteria: ACMG Guidelines, 2015. Collection method: clinical testing. Allele origin: inherited. Affected: yes. Observed: 3 variant alleles.
Comment: homozygous variant

OMIM
Classification: Pathogenic for CONGENITAL DISORDER OF GLYCOSYLATION, TYPE IIe. Last evaluated: 2007-06-01. Review status: no assertion criteria provided. Collection method: literature only. Allele origin: germline. Not counted in ClinVar's aggregate classification.

Literature cited by the submitters: PubMed 15107842 (cited by OMIM); PubMed 17356545 (cited by OMIM); PubMed 17395513 (cited by OMIM).